The following is an entry in ClinVar:

NM_001170629.2(CHD8):c.4603G>C (p.Gly1535Arg)

Gene: CHD8 (chromodomain helicase DNA binding protein 8; minus strand). Cytogenetic location: 14q11.2.
Variant type: single nucleotide variant.
Coding change: c.4603G>C on transcript NM_001170629.2 (MANE Select); coding-DNA position 4603, G replaced by C.
Protein change: p.Gly1535Arg; replaces glycine 1535 with arginine.
Molecular consequence: missense variant.
Genome position (GRCh38, 1-based): chr14:21,400,275, C>G on the plus strand (G>C on the coding strand, the complement: CHD8 is on the minus strand). VCF-style: chr14-21400275-C-G. GRCh37 (hg19) VCF-style: chr14-21868434-C-G.
Other names: c.3766G>C, p.Gly1256Arg (NM_020920.4); short protein forms G1256R, G1535R.
Identifiers: ClinVar variation 4883014 (VCV004883014.2).

ClinVar aggregate classification (germline): Uncertain significance (1 of 4 stars; one submission).

Submission:

Dasa
Classification: Uncertain significance. Last evaluated: 2025-01-30. Review status: criteria provided, single submitter. Criteria: DASA Assertion Criteria. Collection method: clinical testing. Allele origin: germline.
Comment: NM_001170629.2(CHD8):c.4603G>C (p.Gly1535Arg) is a missense variant that results in the substitution of glycine with arginine. This variant is absent from population databases. Computational prediction algorithms are consistent with a deleterious effect. The currently available literature and clinical evidence are not sufficient to establish a definitive association between this variant and the reported condition. Therefore, this variant is classified as a variant of uncertain significance.